The following is an entry in ClinVar:

NM_017763.6(RNF43):c.1977T>G (p.Gly659=)

Gene: RNF43 (ring finger protein 43; minus strand). Cytogenetic location: 17q22.
Variant type: single nucleotide variant.
Coding change: c.1977T>G on transcript NM_017763.6 (MANE Select); coding-DNA position 1977, T replaced by G.
Protein change: p.Gly659=; no amino-acid change (glycine 659 retained).
Molecular consequence: synonymous variant.
Genome position (GRCh38, 1-based): chr17:58,357,799, A>C on the plus strand (T>G on the coding strand, the complement: RNF43 is on the minus strand). VCF-style: chr17-58357799-A-C. GRCh37 (hg19) VCF-style: chr17-56435160-A-C.
Other names: c.1977T>G, p.Gly659= (NM_001305544.3, NM_001438820.1, NM_001438821.1 and 1 more transcripts); c.1596T>G, p.Gly532= (NM_001305545.2, NM_001437987.1).
Identifiers: ClinVar variation 5042094 (VCV005042094.1).

ClinVar aggregate classification (germline): Benign (1 of 4 stars; one submission).

Conditions:
Sessile serrated polyposis cancer syndrome (SSPCS). Identifiers: Orphanet 157798, MedGen C4310714, MONDO:0014919, OMIM 617108.

Submission:

Myriad Genetics, Inc.
Classification: Benign for Sessile serrated polyposis cancer syndrome. Last evaluated: 2026-07-02. Review status: criteria provided, single submitter. Criteria: Myriad Autosomal Dominant, Autosomal Recessive and X-Linked Classification Criteria (2023). Collection method: clinical testing. Allele origin: unknown.
Comment: This variant is considered benign. This variant is a silent/synonymous amino acid change and it is not expected to impact splicing.